The following is an entry in ClinVar:

NM_000051.4(ATM):c.5664C>G (p.Asn1888Lys)

Gene: ATM (ATM serine/threonine kinase; plus strand). Cytogenetic location: 11q22.3.
Variant type: single nucleotide variant.
Coding change: c.5664C>G on transcript NM_000051.4 (MANE Select); coding-DNA position 5664, C replaced by G.
Protein change: p.Asn1888Lys; replaces asparagine 1888 with lysine.
Molecular consequence: missense variant.
Genome position (GRCh38, 1-based): chr11:108,304,842, C>G. VCF-style: chr11-108304842-C-G. GRCh37 (hg19) VCF-style: chr11-108175569-C-G.
Other names: c.5664C>G, p.Asn1888Lys (NM_001351834.2); short protein forms N1888K.
Identifiers: ClinVar variation 4747233 (VCV004747233.1).

ClinVar aggregate classification (germline): Uncertain significance (1 of 4 stars; one submission).

Conditions:
Ataxia-telangiectasia syndrome (AT). Also called: Ataxia-telangiectasia, complementation group D; AT, COMPLEMENTATION GROUP C; Ataxia-telangiectasia; Ataxia telangiectasia (A-T); LOUIS-BAR SYNDROME; Cerebello-oculocutaneous telangiectasia. Identifiers: Orphanet 100, MedGen C0004135, MONDO:0008840, OMIM 208900.

Submission:

Labcorp Genetics (formerly Invitae), Labcorp
Classification: Uncertain significance for Ataxia-telangiectasia syndrome. Last evaluated: 2025-12-23. Review status: criteria provided, single submitter. Criteria: Invitae Variant Classification Sherloc (09022015). Collection method: clinical testing. Allele origin: germline.
Comment: This sequence change replaces asparagine, which is neutral and polar, with lysine, which is basic and polar, at codon 1888 of the ATM protein (p.Asn1888Lys). This variant is not present in population databases (gnomAD no frequency). This variant has not been reported in the literature in individuals affected with ATM-related conditions. Invitae Evidence Modeling of protein sequence and biophysical properties (such as structural, functional, and spatial information, amino acid conservation, physicochemical variation, residue mobility, and thermodynamic stability) indicates that this missense variant is not expected to disrupt ATM protein function with a negative predictive value of 95%. In summary, the available evidence is currently insufficient to determine the role of this variant in disease. Therefore, it has been classified as a Variant of Uncertain Significance.